The following is an entry in ClinVar:

NM_025179.4(PLXNA2):c.840C>A (p.Ile280=)

Gene: PLXNA2 (plexin A2; minus strand). Cytogenetic location: 1q32.2.
Variant type: single nucleotide variant.
Coding change: c.840C>A on transcript NM_025179.4 (MANE Select); coding-DNA position 840, C replaced by A.
Protein change: p.Ile280=; no amino-acid change (isoleucine 280 retained).
Molecular consequence: synonymous variant.
Genome position (GRCh38, 1-based): chr1:208,217,083, G>T on the plus strand (C>A on the coding strand, the complement: PLXNA2 is on the minus strand). VCF-style: chr1-208217083-G-T. GRCh37 (hg19) VCF-style: chr1-208390428-G-T.
Identifiers: ClinVar variation 3046637 (VCV003046637.2), dbSNP rs201134624, ClinGen allele CA1374016.

ClinVar aggregate classification (germline): Likely benign (0 of 4 stars; one submission).

Conditions:
PLXNA2-related disorder. Also called: PLXNA2-related condition.

Allele frequency attached by ClinVar (database versions not stated): ExAC 0.00001; 1000 Genomes Project 30x 0.00016; 1000 Genomes Project 0.00020.
gnomAD v4.1: 36 of 1,614,146 alleles (0.0022%); highest among the groups gnomAD compares: Admixed American, 0.05%; no homozygotes.

Submission:

PreventionGenetics, part of Exact Sciences
Classification: Likely benign for PLXNA2-related condition. Last evaluated: 2023-11-29. Review status: no assertion criteria provided. Collection method: clinical testing. Allele origin: germline.
Comment: This variant is classified as likely benign based on ACMG/AMP sequence variant interpretation guidelines (Richards et al. 2015 PMID: 25741868, with internal and published modifications).